The following is an entry in ClinVar:

ClinVar aggregate classification (germline): Uncertain significance (1 of 4 stars; one submission).

Conditions:
Primary open angle glaucoma (POAG). Also called: OPTN-related open angle glaucoma. Identifiers: MedGen C0339573, MONDO:0100553, OMIM 137760.
Amyotrophic lateral sclerosis type 12 (ALS12). Also called: AMYOTROPHIC LATERAL SCLEROSIS 12 WITH OR WITHOUT FRONTOTEMPORAL DEMENTIA. Identifiers: Orphanet 803, MedGen C3150692, MONDO:0013264, OMIM 613435.
Glaucoma 1, open angle, E. Identifiers: MedGen C1842026, MONDO:0007665.

Submission:

Labcorp Genetics (formerly Invitae), Labcorp
Classification: Uncertain significance for Primary open angle glaucoma; Glaucoma 1, open angle, E; Amyotrophic lateral sclerosis type 12. Last evaluated: 2021-12-18. Review status: criteria provided, single submitter. Criteria: Invitae Variant Classification Sherloc (09022015). Collection method: clinical testing. Allele origin: germline.
Comment: This sequence change replaces aspartic acid, which is acidic and polar, with glycine, which is neutral and non-polar, at codon 564 of the OPTN protein (p.Asp564Gly). In summary, the available evidence is currently insufficient to determine the role of this variant in disease. Therefore, it has been classified as a Variant of Uncertain Significance. Algorithms developed to predict the effect of missense changes on protein structure and function are either unavailable or do not agree on the potential impact of this missense change (SIFT: "Tolerated"; PolyPhen-2: "Probably Damaging"; Align-GVGD: "Class C0"). This variant has not been reported in the literature in individuals affected with OPTN-related conditions. This variant is not present in population databases (gnomAD no frequency).

NM_001008212.2(OPTN):c.1691A>G (p.Asp564Gly)

Gene: OPTN (optineurin; plus strand). Cytogenetic location: 10p13.
Variant type: single nucleotide variant.
Coding change: c.1691A>G on transcript NM_001008212.2 (MANE Select); coding-DNA position 1691, A replaced by G.
Protein change: p.Asp564Gly; replaces aspartic acid 564 with glycine.
Molecular consequence: missense variant.
Genome position (GRCh38, 1-based): chr10:13,136,823, A>G. VCF-style: chr10-13136823-A-G. GRCh37 (hg19) VCF-style: chr10-13178823-A-G.
Other names: c.1691A>G, p.Asp564Gly (NM_001008211.1, NM_001008213.1, NM_021980.4); short protein forms D564G.
Identifiers: ClinVar variation 1971888 (VCV001971888.5), dbSNP rs981878192, ClinGen allele CA203272206.